The following is an entry in ClinVar:

ClinVar aggregate classification (germline): Benign/Likely benign. Review status: criteria provided, multiple submitters, no conflicts (2 of 4 stars). 12 submissions from 12 submitters: Benign (2); Likely benign (6). 4 of the submissions do not count toward it. Last evaluated 2026-01-18.

Conditions:
VCL-related disorder. Also called: VCL-related condition.
Cardiovascular phenotype. Identifiers: MedGen CN230736.
Dilated cardiomyopathy 1W (CMD1W). Identifiers: Orphanet 154, MedGen C1969639, MONDO:0012667, OMIM 611407.

Allele frequency attached by ClinVar (database versions not stated): ExAC 0.00007; ESP Exome Variant Server 0.00015; gnomAD 0.00015 and 0.00016; TOPMed 0.00015; gnomAD exomes 0.00008.
gnomAD v4.1: 145 of 1,613,706 alleles (0.009%); highest among the groups gnomAD compares: African/African-American, 0.037%; no homozygotes.

Submissions (12):

Labcorp Genetics (formerly Invitae), Labcorp
Classification: Likely benign for Dilated cardiomyopathy 1W. Last evaluated: 2026-01-18. Review status: criteria provided, single submitter. Criteria: Invitae Variant Classification Sherloc (09022015). Collection method: clinical testing. Allele origin: germline.

PreventionGenetics, part of Exact Sciences
Classification: Likely benign for VCL-related condition. Last evaluated: 2025-09-29. Review status: criteria provided, single submitter. Criteria: ACMG Guidelines, 2015. Collection method: clinical testing. Allele origin: germline.
Comment: This variant is classified as likely benign based on ACMG/AMP sequence variant interpretation guidelines (Richards et al. 2015 PMID: 25741868, with internal and published modifications).

Molecular Diagnostic Laboratory for Inherited Cardiovascular Disease, Montreal Heart Institute
Classification: Likely benign. Last evaluated: 2025-04-09. Review status: criteria provided, single submitter. Criteria: ACMG Guidelines, 2015. Collection method: clinical testing. Allele origin: germline. Affected: no.

Blueprint Genetics
Classification: Likely benign. Last evaluated: 2024-11-15. Review status: criteria provided, single submitter. Criteria: ACMG Guidelines, 2015. Collection method: clinical testing. Allele origin: germline.

Ambry Genetics
Classification: Likely benign for Cardiovascular phenotype. Last evaluated: 2019-05-21. Review status: criteria provided, single submitter. Criteria: Ambry Variant Classification Scheme 2023. Collection method: clinical testing. Allele origin: germline.

Women's Health and Genetics/Laboratory Corporation of America, LabCorp
Classification: Benign. Last evaluated: 2018-07-09. Review status: criteria provided, single submitter. Criteria: LabCorp Variant Classification Summary - May 2015. Collection method: clinical testing. Allele origin: germline.
Comment: Variant summary: VCL c.1842G>A alters a non-conserved nucleotide resulting in a synonymous change. 5/5 computational tools predict no significant impact on normal splicing. However, these predictions have yet to be confirmed by functional studies. The variant allele was found at a frequency of 7.9e-05 in 276870 control chromosomes (gnomAD). The observed variant frequency is approximately 3-fold of the estimated maximal expected allele frequency for a pathogenic variant in VCL causing Cardiomyopathy phenotype (2.5e-05), strongly suggesting that the variant is benign. To our knowledge, no occurrence of c.1842G>A in individuals affected with Cardiomyopathy and no experimental evidence demonstrating its impact on protein function have been reported. Two clinical diagnostic laboratories have submitted clinical-significance assessments for this variant to ClinVar after 2014 without evidence for independent evaluation and classified the variant as benign/likely benign. Based on the evidence outlined above, the variant was classified as benign.

GeneDx
Classification: Benign. Last evaluated: 2017-02-27. Review status: criteria provided, single submitter. Criteria: GeneDx Variant Classification (06012015). Collection method: clinical testing. Allele origin: germline. Affected: yes.
Comment: This variant is considered likely benign or benign based on one or more of the following criteria: it is a conservative change, it occurs at a poorly conserved position in the protein, it is predicted to be benign by multiple in silico algorithms, and/or has population frequency not consistent with disease.

Laboratory for Molecular Medicine, Mass General Brigham Personalized Medicine
Classification: Likely benign. Last evaluated: 2012-04-10. Review status: criteria provided, single submitter. Criteria: LMM Criteria. Collection method: clinical testing. Allele origin: germline. Observed: 1 variant allele.
Comment: Thr614Thr in exon 13 of VCL: This variant is not expected to have clinical signi ficance because it does not alter an amino acid residue and is not located withi n the splice consensus sequence. It has been identified in 2/3738 African Americ an chromosomes from a broad population by the NHLBI Exome Sequencing Project (rs144117013). Thr614Thr in exon 13 of VCL (allele frequency = 2/3738) **

Clinical Genetics DNA and cytogenetics Diagnostics Lab, Erasmus MC, Erasmus Medical Center
Classification: Likely benign. Review status: no assertion criteria provided. Collection method: clinical testing. Allele origin: germline. Affected: yes. Study: VKGL Data-share Consensus. Not counted in ClinVar's aggregate classification.

Clinical Genetics, Academic Medical Center
Classification: Benign. Review status: no assertion criteria provided. Collection method: clinical testing. Allele origin: germline. Affected: yes. Study: VKGL Data-share Consensus. Not counted in ClinVar's aggregate classification.

Diagnostic Laboratory, Department of Genetics, University Medical Center Groningen
Classification: Likely benign. Review status: no assertion criteria provided. Collection method: clinical testing. Allele origin: germline. Affected: yes. Study: VKGL Data-share Consensus. Not counted in ClinVar's aggregate classification.

Genome Diagnostics Laboratory, University Medical Center Utrecht
Classification: Likely benign. Review status: no assertion criteria provided. Collection method: clinical testing. Allele origin: germline. Affected: yes. Study: VKGL Data-share Consensus. Not counted in ClinVar's aggregate classification.

NM_014000.3(VCL):c.1842G>A (p.Thr614=)

Gene: VCL (vinculin; plus strand). Cytogenetic location: 10q22.2.
Variant type: single nucleotide variant.
Coding change: c.1842G>A on transcript NM_014000.3 (MANE Select); coding-DNA position 1842, G replaced by A.
Protein change: p.Thr614=; no amino-acid change (threonine 614 retained).
Molecular consequence: synonymous variant.
Genome position (GRCh38, 1-based): chr10:74,097,302, G>A. VCF-style: chr10-74097302-G-A. GRCh37 (hg19) VCF-style: chr10-75857060-G-A.
Other names: c.1842G>A, p.Thr614= (NM_003373.4).
Identifiers: ClinVar variation 45592 (VCV000045592.27), dbSNP rs144117013, ClinGen allele CA136730.